The following is an entry in ClinVar:

NM_024407.5(NDUFS7):c.*5G>A

Gene: NDUFS7 (NADH:ubiquinone oxidoreductase core subunit S7; plus strand). Cytogenetic location: 19p13.3.
Variant type: single nucleotide variant.
Coding change: c.*5G>A on transcript NM_024407.5 (MANE Select); 5 bases downstream of the stop codon, G replaced by A.
Molecular consequence: 3 prime UTR variant.
Genome position (GRCh38, 1-based): chr19:1,395,493, G>A. VCF-style: chr19-1395493-G-A. GRCh37 (hg19) VCF-style: chr19-1395492-G-A.
Other names: c.*1071G>A (NM_001363602.2).
Identifiers: ClinVar variation 3052094 (VCV003052094.2), dbSNP rs767407729, ClinGen allele CA9043496.

ClinVar aggregate classification (germline): Likely benign (0 of 4 stars; one submission).

Conditions:
NDUFS7-related disorder. Also called: NDUFS7-related condition.

Allele frequency attached by ClinVar (database versions not stated): gnomAD 0.00001; gnomAD exomes 0.00002; TOPMed 0.00003; ExAC 0.00005.
gnomAD v4.1: 27 of 1,561,876 alleles (0.0017%); highest among the groups gnomAD compares: Admixed American, 0.0077%; no homozygotes.

Submission:

PreventionGenetics, part of Exact Sciences
Classification: Likely benign for NDUFS7-related condition. Last evaluated: 2020-01-14. Review status: no assertion criteria provided. Collection method: clinical testing. Allele origin: germline.
Comment: This variant is classified as likely benign based on ACMG/AMP sequence variant interpretation guidelines (Richards et al. 2015 PMID: 25741868, with internal and published modifications).